The following is an entry in ClinVar:

NM_004370.6(COL12A1):c.1292G>T (p.Cys431Phe)

Gene: COL12A1 (collagen type XII alpha 1 chain; minus strand). Cytogenetic location: 6q13.
Variant type: single nucleotide variant.
Coding change: c.1292G>T on transcript NM_004370.6 (MANE Select); coding-DNA position 1292, G replaced by T.
Protein change: p.Cys431Phe; replaces cysteine 431 with phenylalanine.
Molecular consequence: missense variant. On other transcripts: intron variant (2).
Genome position (GRCh38, 1-based): chr6:75,183,649, C>A on the plus strand (G>T on the coding strand, the complement: COL12A1 is on the minus strand). VCF-style: chr6-75183649-C-A. GRCh37 (hg19) VCF-style: chr6-75893365-C-A.
Other names: c.1292G>T, p.Cys431Phe (NM_001424113.1, NM_001424114.1, NM_001424115.1); c.73+19071G>T (NM_001424116.1, NM_080645.3); short protein forms C431F.
Identifiers: ClinVar variation 3762999 (VCV003762999.2).

ClinVar aggregate classification (germline): Uncertain significance (1 of 4 stars; one submission).

Conditions:
Ullrich congenital muscular dystrophy 2 (UCMD2). Identifiers: Orphanet 75840, MedGen C4225314, MONDO:0014654, OMIM 616470.
Bethlem myopathy 2 (BTHLM2). Identifiers: Orphanet 536516, Orphanet 610, MedGen C4225313, MONDO:0034022, OMIM 616471.

Submission:

Labcorp Genetics (formerly Invitae), Labcorp
Classification: Uncertain significance for Bethlem myopathy 2; Ullrich congenital muscular dystrophy 2. Last evaluated: 2024-08-19. Review status: criteria provided, single submitter. Criteria: Invitae Variant Classification Sherloc (09022015). Collection method: clinical testing. Allele origin: germline.
Comment: This sequence change replaces cysteine, which is neutral and slightly polar, with phenylalanine, which is neutral and non-polar, at codon 431 of the COL12A1 protein (p.Cys431Phe). This variant is not present in population databases (gnomAD no frequency). This variant has not been reported in the literature in individuals affected with COL12A1-related conditions. Invitae Evidence Modeling of protein sequence and biophysical properties (such as structural, functional, and spatial information, amino acid conservation, physicochemical variation, residue mobility, and thermodynamic stability) has been performed for this missense variant. However, the output from this modeling did not meet the statistical confidence thresholds required to predict the impact of this variant on COL12A1 protein function. In summary, the available evidence is currently insufficient to determine the role of this variant in disease. Therefore, it has been classified as a Variant of Uncertain Significance.